The following is an entry in ClinVar:

NM_001164508.2(NEB):c.4725dup (p.Tyr1576fs)

Gene: NEB (nebulin; minus strand). Cytogenetic location: 2q23.3.
Variant type: Duplication.
Coding change: c.4725dup on transcript NM_001164508.2 (MANE Select); coding-DNA position 4725, one base duplicated (A; older notation c.4725dupA).
Protein change: p.Tyr1576fs; shifts the reading frame from tyrosine 1576.
Molecular consequence: frameshift variant.
Genome position (GRCh38, 1-based): chr2:151,666,396, T duplicated on the plus strand (A on the coding strand, the reverse complement: NEB is on the minus strand); the first of 3 consecutive T bases (chr2:151,666,396-151,666,398); duplicating any one gives the same sequence. VCF-style (leftmost placement, unchanged base first): chr2-151666395-A-AT. GRCh37 (hg19) VCF-style: chr2-152522909-A-AT.
Other names: c.4725dupA (NM_001271208.1); c.4725dup, p.Tyr1576fs (NM_001164507.2, NM_001271208.2, NM_004543.5); short protein forms Y1576fs.
Identifiers: ClinVar variation 2868566 (VCV002868566.4), dbSNP rs2552258309, ClinGen allele CA2661472697.

ClinVar aggregate classification (germline): Pathogenic/Likely pathogenic. Review status: criteria provided, multiple submitters, no conflicts (2 of 4 stars). 2 submissions from 2 submitters: Pathogenic (1); Likely pathogenic (1). Last evaluated 2024-03-26.

Conditions:
Nemaline myopathy 2 (NEM2). Also called: Nemaline myopathy 2, autosomal recessive. Identifiers: MedGen C1850569, MONDO:0009725, OMIM 256030.

Submissions (2):

Natera, Inc.
Classification: Likely pathogenic for Nemaline myopathy type 2. Last evaluated: 2024-03-26. Review status: criteria provided, single submitter. Criteria: Natera Variant Classification Schema (03/2026). Collection method: clinical testing. Allele origin: germline.
Comment: The c.4725dupA variant in NEB is a frameshift variant predicted to shift the reading frame beginning at codon 1576 and leads to a stop codon 2 codons downstream. This variant is expected to result in nonsense mediated decay, truncation, or a dysfunctional protein product. This variant is rare in the general population with a frequency below the threshold expected for the associated phenotype(s). Given the available evidence, this variant is classified as Likely Pathogenic.

Labcorp Genetics (formerly Invitae), Labcorp
Classification: Pathogenic for Nemaline myopathy 2. Last evaluated: 2023-04-09. Review status: criteria provided, single submitter. Criteria: Invitae Variant Classification Sherloc (09022015). Collection method: clinical testing. Allele origin: germline.
Comment: For these reasons, this variant has been classified as Pathogenic. This variant has not been reported in the literature in individuals affected with NEB-related conditions. This variant is not present in population databases (gnomAD no frequency). This sequence change creates a premature translational stop signal (p.Tyr1576Ilefs*2) in the NEB gene. It is expected to result in an absent or disrupted protein product. Loss-of-function variants in NEB are known to be pathogenic (PMID: 25205138).

Literature cited by the submitters: PubMed 25205138 (cited by Labcorp Genetics (formerly Invitae), Labcorp).